The following is an entry in ClinVar:

NM_014915.3(ANKRD26):c.2702C>A (p.Ser901Tyr)

Gene: ANKRD26 (ankyrin repeat domain 26; minus strand). Cytogenetic location: 10p12.1.
Variant type: single nucleotide variant.
Coding change: c.2702C>A on transcript NM_014915.3 (MANE Select); coding-DNA position 2702, C replaced by A.
Protein change: p.Ser901Tyr; replaces serine 901 with tyrosine.
Molecular consequence: missense variant.
Genome position (GRCh38, 1-based): chr10:27,035,748, G>T on the plus strand (C>A on the coding strand, the complement: ANKRD26 is on the minus strand). VCF-style: chr10-27035748-G-T. GRCh37 (hg19) VCF-style: chr10-27324677-G-T.
Other names: c.2699C>A, p.Ser900Tyr (NM_001256053.2); short protein forms S901Y, S900Y.
Identifiers: ClinVar variation 5023872 (VCV005023872.1).

ClinVar aggregate classification (germline): Uncertain significance (1 of 4 stars; one submission).

Conditions:
Inborn genetic diseases. Identifiers: MedGen C0950123, MeSH D030342.

gnomAD v4.1: 2 of 1,601,960 alleles (0.00012%); highest among the groups gnomAD compares: Non-Finnish European, 0.00017%; no homozygotes.

Submission:

Ambry Genetics
Classification: Uncertain significance for Inborn genetic diseases. Last evaluated: 2026-09-12. Review status: criteria provided, single submitter. Criteria: Ambry Variant Classification Scheme 2023. Collection method: clinical testing. Allele origin: germline.
Comment: The p.S901Y variant (also known as c.2702C>A), located in coding exon 24 of the ANKRD26 gene, results from a C to A substitution at nucleotide position 2702. The serine at codon 901 is replaced by tyrosine, an amino acid with dissimilar properties. This amino acid position is conserved. In addition, this alteration is predicted to be tolerated by in silico analysis. Based on the available evidence, the clinical significance of this variant remains unclear.